The following is an entry in ClinVar:

NM_017841.4(SDHAF2):c.302A>G (p.Gln101Arg)

Gene: SDHAF2 (succinate dehydrogenase complex assembly factor 2; plus strand). Cytogenetic location: 11q12.2.
Variant type: single nucleotide variant.
Coding change: c.302A>G on transcript NM_017841.4 (MANE Select); coding-DNA position 302, A replaced by G.
Protein change: p.Gln101Arg; replaces glutamine 101 with arginine.
Molecular consequence: missense variant.
Genome position (GRCh38, 1-based): chr11:61,438,045, A>G. VCF-style: chr11-61438045-A-G. GRCh37 (hg19) VCF-style: chr11-61205517-A-G.
Other names: short protein forms Q101R.
Identifiers: ClinVar variation 3385981 (VCV003385981.1).
Genomic context (GRCh38, chr11:61,438,045, plus strand): 5'-TTTTCTTTCTTGTTTTTAGTCTTTTTGCTAAAGAACATCTGCAGCACATGACAGAAAAGC[A>G]GCTGAACCTCTATGACCGCCTGATTAACGAGCCTAGTAATGACTGGGATATTTACTACTG-3'
Protein context (NP_060311.1, residues 91-111): KEHLQHMTEK[Gln101Arg]LNLYDRLINE

ClinVar aggregate classification (germline): Uncertain significance (1 of 4 stars; one submission).

Conditions:
Hereditary pheochromocytoma and paraganglioma. Also called: Hereditary Paraganglioma-Pheochromocytoma Syndromes; Hereditary pheochromocytoma-paraganglioma; Hereditary paragangliomas and pheochromocytomas. Identifiers: Orphanet 29072, MedGen C4274332, MONDO:0017366.

Submission:

All of Us Research Program, National Institutes of Health
Classification: Uncertain significance for Hereditary pheochromocytoma and paraganglioma. Last evaluated: 2024-07-20. Review status: criteria provided, single submitter. Criteria: ACMG Guidelines, 2015. Collection method: clinical testing. Allele origin: germline. Inheritance: Autosomal dominant inheritance. Observed: 1 variant allele, 1 heterozygote.
Comment: This missense variant replaces glutamine with arginine at codon 101 of the SDHAF2 protein. Computational prediction suggests that this variant may have deleterious impact on protein structure and function (internally defined REVEL score threshold >= 0.7, PMID: 27666373). To our knowledge, functional studies have not been reported for this variant. This variant has not been reported in individuals affected with SDHAF2-related disorders in the literature. This variant has not been identified in the general population by the Genome Aggregation Database (gnomAD). The available evidence is insufficient to determine the role of this variant in disease conclusively. Therefore, this variant is classified as a Variant of Uncertain Significance.

This study involves interpretation of variants in research participants for the purpose of population health screening. Participant phenotype was not available at the time of variant classification. Additional details can be found in publication PMID: 35346344, PMCID: PMC8962531